The following is an entry in ClinVar:

ClinVar aggregate classification (germline): Conflicting classifications of pathogenicity. Review status: criteria provided, conflicting classifications (1 of 4 stars). 3 submissions from 3 submitters: Uncertain significance (2); Likely benign (1). Last evaluated 2025-12-16.

Conditions:
Inborn genetic diseases. Identifiers: MedGen C0950123, MeSH D030342.
Kleefstra syndrome 2 (KLEFS2). Identifiers: MedGen C4540395, MONDO:0054701, OMIM 617768.

Submissions (3):

Ambry Genetics
Classification: Uncertain significance for Inborn genetic diseases. Last evaluated: 2025-12-16. Review status: criteria provided, single submitter. Criteria: Ambry Variant Classification Scheme 2023. Collection method: clinical testing. Allele origin: germline.

3billion
Classification: Likely benign for Kleefstra syndrome 2. Last evaluated: 2024-09-20. Review status: criteria provided, single submitter. Criteria: ACMG Guidelines, 2015. Collection method: clinical testing. Allele origin: germline. Affected: no.
Comment: The variant was identified in at least one patient who was diagnosed with a different variant in another gene and showed no symptoms related to the gene containing the variant in question.

Baylor Genetics
Classification: Uncertain significance for Kleefstra syndrome 2. Last evaluated: 2020-05-05. Review status: criteria provided, single submitter. Criteria: ACMG Guidelines, 2015. Collection method: clinical testing. Allele origin: unknown. Affected: yes.
Comment: This variant was determined to be of uncertain significance according to ACMG Guidelines, 2015 [PMID:25741868].

NM_170606.3(KMT2C):c.10054C>G (p.Gln3352Glu)

Gene: KMT2C (lysine methyltransferase 2C; minus strand). Cytogenetic location: 7q36.1.
Variant type: single nucleotide variant.
Coding change: c.10054C>G on transcript NM_170606.3 (MANE Select); coding-DNA position 10054, C replaced by G.
Protein change: p.Gln3352Glu; replaces glutamine 3352 with glutamic acid.
Molecular consequence: missense variant.
Genome position (GRCh38, 1-based): chr7:152,163,523, G>C on the plus strand (C>G on the coding strand, the complement: KMT2C is on the minus strand). VCF-style: chr7-152163523-G-C. GRCh37 (hg19) VCF-style: chr7-151860608-G-C.
Other names: short protein forms Q3352E.
Identifiers: ClinVar variation 1027838 (VCV001027838.3), dbSNP rs2092568887, ClinGen allele CA370104991.